The following is an entry in ClinVar:

NM_198428.3(BBS9):c.329-5dup

Gene: BBS9 (Bardet-Biedl syndrome 9; plus strand). Cytogenetic location: 7p14.3.
Variant type: Duplication.
Coding change: c.329-5dup on transcript NM_198428.3 (MANE Select); 5 bases into the intron before coding-DNA position 329, one base duplicated (C; older notation c.329-5dupC).
Molecular consequence: intron variant.
Genome position (GRCh38, 1-based): chr7:33,177,473, C duplicated; the last of 2 consecutive C bases (chr7:33,177,472-33,177,473); duplicating either gives the same sequence. VCF-style (leftmost placement, unchanged base first): chr7-33177471-T-TC. GRCh37 (hg19) VCF-style: chr7-33217083-T-TC.
Other names: c.329-5dup (NM_001348036.1, NM_001362679.1, NM_001348041.4 and 5 more transcripts); c.56-5dup (NM_001348038.3, NM_001348039.3); c.-38-5dup (NM_001348037.3, NM_001348045.3, NM_001348046.3 and 1 more transcripts); c.194-5dup (NM_001348042.3).
Identifiers: ClinVar variation 3350205 (VCV003350205.1).
Genomic context (GRCh38, chr7:33,177,471, plus strand): 5'-GATGAGAACAAATTAATGTTTTTTAGTGTACACAAATACAAAGTAATCCTTTTTTTTTTT[T>TC]CCTTAGGAACCTTGGGTAATGTGGAACATGGGAACCAATGTCAGATGAAATTGATGTATG-3'

ClinVar aggregate classification (germline): Likely benign (0 of 4 stars; one submission).

Conditions:
BBS9-related disorder. Also called: BBS9-related condition.

Submission:

PreventionGenetics, part of Exact Sciences
Classification: Likely benign for BBS9-related condition. Last evaluated: 2024-02-08. Review status: no assertion criteria provided. Collection method: clinical testing. Allele origin: germline.
Comment: This variant is classified as likely benign based on ACMG/AMP sequence variant interpretation guidelines (Richards et al. 2015 PMID: 25741868, with internal and published modifications).